The following is an entry in ClinVar:

NM_000091.5(COL4A3):c.4410del (p.Ser1472fs)

Genes: COL4A3 (collagen type IV alpha 3 chain; plus strand), MFF-DT (MFF divergent transcript; minus strand). Cytogenetic location: 2q36.3.
Variant type: Deletion.
Coding change: c.4410del on transcript NM_000091.5 (MANE Select); coding-DNA position 4410, one base deleted (G; older notation c.4410delG).
Protein change: p.Ser1472fs; shifts the reading frame from serine 1472.
Molecular consequence: frameshift variant.
Genome position (GRCh38, 1-based): chr2:227,307,867, G deleted; the last of 3 consecutive G bases (chr2:227,307,865-227,307,867); deleting any one gives the same sequence. VCF-style (leftmost placement, unchanged base first): chr2-227307864-TG-T. GRCh37 (hg19) VCF-style: chr2-228172580-TG-T.
Other names: short protein forms S1472fs.
Identifiers: ClinVar variation 1377027 (VCV001377027.6), dbSNP rs1559922416, ClinGen allele CA540306726.

ClinVar aggregate classification (germline): Pathogenic (1 of 4 stars; one submission).

Submission:

Labcorp Genetics (formerly Invitae), Labcorp
Classification: Pathogenic. Last evaluated: 2022-04-18. Review status: criteria provided, single submitter. Criteria: Invitae Variant Classification Sherloc (09022015). Collection method: clinical testing. Allele origin: germline.
Comment: Algorithms developed to predict the effect of sequence changes on RNA splicing suggest that this variant may disrupt the consensus splice site. This variant has not been reported in the literature in individuals affected with COL4A3-related conditions. This variant is present in population databases (no rsID available, gnomAD 0.007%). This sequence change creates a premature translational stop signal (p.Ser1472Leufs*57) in the COL4A3 gene. It is expected to result in an absent or disrupted protein product. Loss-of-function variants in COL4A3 are known to be pathogenic (PMID: 8956999, 24854265, 26809805, 27281700). For these reasons, this variant has been classified as Pathogenic.

Literature cited by the submitters: PubMed 8956999; PubMed 24854265; PubMed 26809805; PubMed 27281700.